The following is an entry in ClinVar:

ClinVar aggregate classification (germline): Uncertain significance (1 of 4 stars; one submission).

Conditions:
PKHD1-related disorder. Also called: PKHD1-related condition.

Submission:

PreventionGenetics, part of Exact Sciences
Classification: Uncertain significance for PKHD1-related condition. Last evaluated: 2022-10-20. Review status: criteria provided, single submitter. Criteria: ACMG Guidelines, 2015. Collection method: clinical testing. Allele origin: germline.
Comment: The PKHD1 c.10316_10318delATG variant is predicted to result in an in-frame deletion (p.Asp3439del). To our knowledge, this variant has not been reported in the literature or in a large population database, indicating this variant is rare. Although we suspect that this variant may be pathogenic, at this time, the clinical significance of this variant is uncertain due to the absence of conclusive functional and genetic evidence.

NM_138694.4(PKHD1):c.10316_10318del (p.Asp3439del)

Gene: PKHD1 (PKHD1 ciliary IPT domain containing fibrocystin/polyductin; minus strand). Cytogenetic location: 6p12.3.
Variant type: Deletion.
Coding change: c.10316_10318del on transcript NM_138694.4 (MANE Select); coding-DNA positions 10316 to 10318, 3 bases deleted (ATG; older notation c.10316_10318delATG).
Protein change: p.Asp3439del; deletes aspartic acid 3439.
Molecular consequence: inframe deletion.
Genome position (GRCh38, 1-based): chr6:51,659,808-51,659,810, CAT deleted on the plus strand (ATG on the coding strand, the reverse complement: PKHD1 is on the minus strand); deleting any 3 consecutive bases within chr6:51,659,808-51,659,812 gives the same sequence; the c. name uses the placement nearest the transcript's 3' end. VCF-style (leftmost placement, unchanged base first): chr6-51659807-ACAT-A. GRCh37 (hg19) VCF-style: chr6-51524605-ACAT-A.
Other names: short protein forms D3439del.
Identifiers: ClinVar variation 2637235 (VCV002637235.1), dbSNP rs2533453699, ClinGen allele CA2695198849.